The following is an entry in ClinVar:

NM_000535.7(PMS2):c.705+5T>C

Gene: PMS2 (PMS1 homolog 2, mismatch repair system component; minus strand). Cytogenetic location: 7p22.1.
Variant type: single nucleotide variant.
Coding change: c.705+5T>C on transcript NM_000535.7 (MANE Select); 5 bases into the intron after coding-DNA position 705, T replaced by C.
Molecular consequence: intron variant.
Genome position (GRCh38, 1-based): chr7:5,999,103, A>G on the plus strand (T>C on the coding strand, the complement: PMS2 is on the minus strand). VCF-style: chr7-5999103-A-G. GRCh37 (hg19) VCF-style: chr7-6038734-A-G.
Other names: c.705+5T>C (NM_000535.5, NM_001322006.2, NM_001322014.2); c.387+5T>C (NM_001322008.2, NM_001322007.2); c.300+5T>C (NM_001322010.2, NM_001322004.2, NM_001322003.2 and 2 more transcripts); c.133-1680T>C (NM_001322013.2); c.-229+5T>C (NM_001322012.2, NM_001322011.2); c.396+5T>C (NM_001322015.2).
Identifiers: ClinVar variation 1446171 (VCV001446171.7), dbSNP rs763422964, ClinGen allele CA2573141941.

ClinVar aggregate classification (germline): Uncertain significance. Review status: criteria provided, multiple submitters, no conflicts (2 of 4 stars). 2 submissions from 2 submitters: Uncertain significance (2). Last evaluated 2025-09-12.

Conditions:
Hereditary cancer-predisposing syndrome. Also called: Tumor predisposition; Hereditary Cancer Syndrome; Hereditary neoplastic syndrome; Neoplastic Syndromes, Hereditary. Identifiers: Orphanet 140162, MedGen C0027672, MeSH D009386, MONDO:0015356.
Hereditary nonpolyposis colorectal neoplasms. Identifiers: MedGen C0009405, MeSH D003123.

gnomAD v4.1: 1 of 1,614,036 alleles (0.000062%); highest among the groups gnomAD compares: Non-Finnish European, 0.000085%; no homozygotes.

Submissions (2):

Ambry Genetics
Classification: Uncertain significance for Hereditary cancer-predisposing syndrome. Last evaluated: 2025-09-12. Review status: criteria provided, single submitter. Criteria: Ambry Variant Classification Scheme 2023. Collection method: clinical testing. Allele origin: germline.
Comment: The c.705+5T>C intronic variant results from a T to C substitution 5 nucleotides after coding exon 6 in the PMS2 gene. This nucleotide position is well conserved in available vertebrate species. In silico splice site analysis predicts that this alteration will not have any significant effect on splicing. Based on the available evidence, the clinical significance of this variant remains unclear.

Labcorp Genetics (formerly Invitae), Labcorp
Classification: Uncertain significance for Hereditary nonpolyposis colorectal neoplasms. Last evaluated: 2024-03-12. Review status: criteria provided, single submitter. Criteria: Invitae Variant Classification Sherloc (09022015). Collection method: clinical testing. Allele origin: germline.
Comment: This sequence change falls in intron 6 of the PMS2 gene. It does not directly change the encoded amino acid sequence of the PMS2 protein. It affects a nucleotide within the consensus splice site. This variant is not present in population databases (gnomAD no frequency). This variant has not been reported in the literature in individuals affected with PMS2-related conditions. ClinVar contains an entry for this variant (Variation ID: 1446171). Variants that disrupt the consensus splice site are a relatively common cause of aberrant splicing (PMID: 17576681, 9536098). Algorithms developed to predict the effect of sequence changes on RNA splicing suggest that this variant is not likely to affect RNA splicing. In summary, the available evidence is currently insufficient to determine the role of this variant in disease. Therefore, it has been classified as a Variant of Uncertain Significance.

Literature cited by the submitters: PubMed 17576681 (cited by Labcorp Genetics (formerly Invitae), Labcorp); PubMed 9536098 (cited by Labcorp Genetics (formerly Invitae), Labcorp).